The following is an entry in ClinVar:

ClinVar aggregate classification (germline): Uncertain significance. Review status: criteria provided, multiple submitters, no conflicts (2 of 4 stars). 3 submissions from 3 submitters: Uncertain significance (3). Last evaluated 2025-05-20.

Conditions:
Inborn genetic diseases. Identifiers: MedGen C0950123, MeSH D030342.

Allele frequency attached by ClinVar (database versions not stated): TOPMed 0.00001; gnomAD 0.00001; gnomAD exomes 0.00002.
gnomAD v4.1: 33 of 1,613,896 alleles (0.002%); highest among the groups gnomAD compares: East Asian, 0.0045%; no homozygotes.

Submissions (3):

Ambry Genetics
Classification: Uncertain significance for Inborn genetic diseases. Last evaluated: 2025-05-20. Review status: criteria provided, single submitter. Criteria: Ambry Variant Classification Scheme 2023. Collection method: clinical testing. Allele origin: germline.

GeneDx
Classification: Uncertain significance. Last evaluated: 2022-12-23. Review status: criteria provided, single submitter. Criteria: GeneDx Variant Classification Process June 2021. Collection method: clinical testing. Allele origin: germline. Affected: yes.
Comment: Not observed at significant frequency in large population cohorts (gnomAD); In silico analysis supports that this missense variant has a deleterious effect on protein structure/function; Has not been previously published as pathogenic or benign to our knowledge

Labcorp Genetics (formerly Invitae), Labcorp
Classification: Uncertain significance. Last evaluated: 2021-12-21. Review status: criteria provided, single submitter. Criteria: Invitae Variant Classification Sherloc (09022015). Collection method: clinical testing. Allele origin: germline.
Comment: This sequence change replaces arginine, which is basic and polar, with histidine, which is basic and polar, at codon 3295 of the MYO15A protein (p.Arg3295His). This variant is present in population databases (no rsID available, gnomAD 0.002%). This variant has not been reported in the literature in individuals affected with MYO15A-related conditions. Advanced modeling of protein sequence and biophysical properties (such as structural, functional, and spatial information, amino acid conservation, physicochemical variation, residue mobility, and thermodynamic stability) performed at Invitae indicates that this missense variant is expected to disrupt MYO15A protein function. In summary, the available evidence is currently insufficient to determine the role of this variant in disease. Therefore, it has been classified as a Variant of Uncertain Significance.

NM_016239.4(MYO15A):c.9884G>A (p.Arg3295His)

Gene: MYO15A (myosin XVA; plus strand). Cytogenetic location: 17p11.2.
Variant type: single nucleotide variant.
Coding change: c.9884G>A on transcript NM_016239.4 (MANE Select); coding-DNA position 9884, G replaced by A.
Protein change: p.Arg3295His; replaces arginine 3295 with histidine.
Molecular consequence: missense variant.
Genome position (GRCh38, 1-based): chr17:18,166,457, G>A. VCF-style: chr17-18166457-G-A. GRCh37 (hg19) VCF-style: chr17-18069771-G-A.
Other names: short protein forms R3295H.
Identifiers: ClinVar variation 1939703 (VCV001939703.5), dbSNP rs1395748595, ClinGen allele CA398641990.
Genomic context (GRCh38, chr17:18,166,457, plus strand): 5'-TCCTGGATGTGGCCTCAGAGATGGAGCAGGTGGACGGCGGCTACATGCTCTGGTTCCGGC[G>A]TGTGCTCTGGGATCAGCCACTCAAGTTCGAGAATGAGCTATATGTGACCATGCACTACAA-3'
Protein context (NP_057323.3, residues 3285-3305): VDGGYMLWFR[Arg3295His]VLWDQPLKFE